The following is an entry in ClinVar:

NM_004725.4(BUB3):c.335T>C (p.Val112Ala)

Gene: BUB3 (BUB3 mitotic checkpoint protein; plus strand). Cytogenetic location: 10q26.13.
Variant type: single nucleotide variant.
Coding change: c.335T>C on transcript NM_004725.4 (MANE Select); coding-DNA position 335, T replaced by C.
Protein change: p.Val112Ala; replaces valine 112 with alanine.
Molecular consequence: missense variant.
Genome position (GRCh38, 1-based): chr10:123,157,798, T>C. VCF-style: chr10-123157798-T-C. GRCh37 (hg19) VCF-style: chr10-124917314-T-C.
Other names: c.335T>C, p.Val112Ala (NM_001007793.3); short protein forms V112A.
Identifiers: ClinVar variation 2625369 (VCV002625369.2), dbSNP rs2493759899, ClinGen allele CA378625483.

ClinVar aggregate classification (germline): Uncertain significance (1 of 4 stars; one submission).

Submission:

Ambry Genetics
Classification: Uncertain significance. Last evaluated: 2023-08-07. Review status: criteria provided, single submitter. Criteria: Ambry Variant Classification Scheme 2023. Collection method: clinical testing. Allele origin: germline.
Comment: The p.V112A variant (also known as c.335T>C), located in coding exon 3 of the BUB3 gene, results from a T to C substitution at nucleotide position 335. The valine at codon 112 is replaced by alanine, an amino acid with similar properties. This amino acid position is conserved. In addition, the in silico prediction for this alteration is inconclusive. Since supporting evidence is limited at this time, the clinical significance of this alteration remains unclear.